The following is an entry in ClinVar:

ClinVar aggregate classification (germline): Uncertain significance (1 of 4 stars; one submission).

Conditions:
Combined immunodeficiency due to DOCK8 deficiency (HIES2). Also called: Hyper-IgE recurrent infection syndrome, autosomal recessive; HIES autosomal recessive; DOCK8 Deficiency; HYPER-IgE RECURRENT INFECTION SYNDROME 2, AUTOSOMAL RECESSIVE; HYPER-IgE SYNDROME 2, AUTOSOMAL RECESSIVE, WITH RECURRENT INFECTIONS. Identifiers: Orphanet 217390, MedGen C4722305, MONDO:0009478, OMIM 243700.

Submission:

Labcorp Genetics (formerly Invitae), Labcorp
Classification: Uncertain significance for Combined immunodeficiency due to DOCK8 deficiency. Last evaluated: 2022-02-04. Review status: criteria provided, single submitter. Criteria: Invitae Variant Classification Sherloc (09022015). Collection method: clinical testing. Allele origin: germline.
Comment: This sequence change replaces asparagine, which is neutral and polar, with lysine, which is basic and polar, at codon 1295 of the DOCK8 protein (p.Asn1295Lys). This variant is not present in population databases (gnomAD no frequency). This variant has not been reported in the literature in individuals affected with DOCK8-related conditions. Algorithms developed to predict the effect of missense changes on protein structure and function (SIFT, PolyPhen-2, Align-GVGD) all suggest that this variant is likely to be tolerated. In summary, the available evidence is currently insufficient to determine the role of this variant in disease. Therefore, it has been classified as a Variant of Uncertain Significance.

NM_203447.4(DOCK8):c.3885C>G (p.Asn1295Lys)

Gene: DOCK8 (dedicator of cytokinesis 8; plus strand). Cytogenetic location: 9p24.3.
Variant type: single nucleotide variant.
Coding change: c.3885C>G on transcript NM_203447.4 (MANE Select); coding-DNA position 3885, C replaced by G.
Protein change: p.Asn1295Lys; replaces asparagine 1295 with lysine.
Molecular consequence: missense variant.
Genome position (GRCh38, 1-based): chr9:420,445, C>G. VCF-style: chr9-420445-C-G. GRCh37 (hg19) VCF-style: chr9-420445-C-G.
Other names: c.3585C>G, p.Asn1195Lys (NM_001190458.2); c.3681C>G, p.Asn1227Lys (NM_001193536.2); short protein forms N1195K, N1227K, N1295K.
Identifiers: ClinVar variation 1363684 (VCV001363684.8), dbSNP rs2131638369, ClinGen allele CA372763732.
Genomic context (GRCh38, chr9:420,445, plus strand): 5'-ATCTGCCTCCCTTCAGCCCTATAAGCAGTACAACATGCTGAACGCGGACACTACTCGCAA[C>G]CTCATGATCTGCTTCCTCTGGATCATGAAAAATGCTGATCAGAGCCTCATTAGGAAGTGG-3'
Protein context (NP_982272.2, residues 1285-1305): YNMLNADTTR[Asn1295Lys]LMICFLWIMK